The following is an entry in ClinVar:

ClinVar aggregate classification (germline): Uncertain significance (1 of 4 stars; one submission).

Conditions:
Fanconi anemia (FA). Also called: Fanconi's anemia. Identifiers: Orphanet 84, MedGen C0015625, MeSH D005199, MONDO:0019391.

Submission:

Labcorp Genetics (formerly Invitae), Labcorp
Classification: Uncertain significance for Fanconi anemia. Last evaluated: 2023-12-11. Review status: criteria provided, single submitter. Criteria: Invitae Variant Classification Sherloc (09022015). Collection method: clinical testing. Allele origin: germline.
Comment: This variant is a gross deletion of the genomic region encompassing exon(s) 10-12 of the FANCI gene. This variant would be expected to be in-frame, preserving the integrity of the reading frame. This variant has not been reported in the literature in individuals affected with FANCI-related conditions. Experimental studies and prediction algorithms are not available or were not evaluated, and the functional significance of this variant is currently unknown. In summary, the available evidence is currently insufficient to determine the role of this variant in disease. Therefore, it has been classified as a Variant of Uncertain Significance.

NC_000015.9:g.(?_89811610)_(89817555_?)del

Gene: FANCI (FA complementation group I; plus strand). Cytogenetic location: 15q26.1.
Variant type: Deletion.
Identifiers: ClinVar variation 1496858 (VCV001496858.5).